The following is an entry in ClinVar:

ClinVar aggregate classification (germline): Uncertain significance (1 of 4 stars; one submission).

Conditions:
Aortic aneurysm, familial thoracic 8 (AAT8). Identifiers: MedGen C3809513, MONDO:0014187, OMIM 615436.

Allele frequency attached by ClinVar (database versions not stated): TOPMed below 0.00001.

Submission:

Labcorp Genetics (formerly Invitae), Labcorp
Classification: Uncertain significance for Aortic aneurysm, familial thoracic 8. Last evaluated: 2024-01-25. Review status: criteria provided, single submitter. Criteria: Invitae Variant Classification Sherloc (09022015). Collection method: clinical testing. Allele origin: germline.
Comment: This sequence change replaces arginine, which is basic and polar, with glutamine, which is neutral and polar, at codon 388 of the PRKG1 protein (p.Arg388Gln). This variant is not present in population databases (gnomAD no frequency). This variant has not been reported in the literature in individuals affected with PRKG1-related conditions. An algorithm developed to predict the effect of missense changes on protein structure and function (PolyPhen-2) suggests that this variant is likely to be disruptive. In summary, the available evidence is currently insufficient to determine the role of this variant in disease. Therefore, it has been classified as a Variant of Uncertain Significance.

NM_006258.4(PRKG1):c.1163G>A (p.Arg388Gln)

Gene: PRKG1 (protein kinase cGMP-dependent 1; plus strand). Cytogenetic location: 10q21.1.
Variant type: single nucleotide variant.
Coding change: c.1163G>A on transcript NM_006258.4 (MANE Select); coding-DNA position 1163, G replaced by A.
Protein change: p.Arg388Gln; replaces arginine 388 with glutamine.
Molecular consequence: missense variant. On other transcripts: 5 prime UTR variant (1).
Genome position (GRCh38, 1-based): chr10:52,251,656, G>A. VCF-style: chr10-52251656-G-A. GRCh37 (hg19) VCF-style: chr10-54011416-G-A.
Other names: c.1118G>A, p.Arg373Gln (NM_001098512.3); c.-47G>A (NM_001374781.1); short protein forms R388Q, R373Q.
Identifiers: ClinVar variation 2796469 (VCV002796469.3), dbSNP rs1459382080, ClinGen allele CA376534802.